The following is an entry in ClinVar:

ClinVar aggregate classification (germline): Uncertain significance (1 of 4 stars; one submission).

Submission:

Women's Health and Genetics/Laboratory Corporation of America, LabCorp
Classification: Uncertain significance. Last evaluated: 2026-03-03. Review status: criteria provided, single submitter. Criteria: LabCorp Variant Classification Summary - May 2015. Collection method: clinical testing. Allele origin: germline.
Comment: Variant summary: SMC1A c.*19G>A is located in the untranslated mRNA region downstream of the termination codon. Consensus agreement among computation tools predict no significant impact on normal splicing. However, these predictions have yet to be confirmed by functional studies. The variant allele was found at a frequency of 1.7e-05 in 177725 control chromosomes. The available data on variant occurrences in the general population are insufficient to allow any conclusion about variant significance. To our knowledge, no occurrence of c.*19G>A in individuals affected with SMC1A-related conditions and no experimental evidence demonstrating its impact on protein function have been reported. No submitters have cited clinical-significance assessments for this variant to ClinVar. Based on the evidence outlined above, the variant was classified as uncertain significance.

Literature cited by the submitters: PubMed 27288520; PubMed 20514443; PubMed 29860495; PubMed 24220272; PubMed 24487413; PubMed 24904756; PubMed 24335498; PubMed 25006131; PubMed 31896782.

NM_006306.4(SMC1A):c.*19G>A

Gene: SMC1A (structural maintenance of chromosomes 1A; minus strand). Cytogenetic location: Xp11.22.
Variant type: single nucleotide variant.
Coding change: c.*19G>A on transcript NM_006306.4 (MANE Select); 19 bases downstream of the stop codon, G replaced by A.
Molecular consequence: 3 prime UTR variant.
Genome position (GRCh38, 1-based): chrX:53,380,084, C>T on the plus strand (G>A on the coding strand, the complement: SMC1A is on the minus strand). VCF-style: chrX-53380084-C-T. GRCh37 (hg19) VCF-style: chrX-53407005-C-T.
Other names: c.*19G>A (NM_001281463.1).
Identifiers: ClinVar variation 4847524 (VCV004847524.1).